The following is an entry in ClinVar:

NM_001190417.2(ZNF674):c.586C>T (p.Arg196Ter)

Gene: ZNF674 (zinc finger protein 674; minus strand). Cytogenetic location: Xp11.3.
Variant type: single nucleotide variant.
Coding change: c.586C>T on transcript NM_001190417.2 (MANE Select); coding-DNA position 586, C replaced by T.
Protein change: p.Arg196Ter; replaces arginine 196 with a stop codon.
Molecular consequence: nonsense.
Genome position (GRCh38, 1-based): chrX:46,500,988, G>A on the plus strand (C>T on the coding strand, the complement: ZNF674 is on the minus strand). VCF-style: chrX-46500988-G-A. GRCh37 (hg19) VCF-style: chrX-46360423-G-A.
Other names: c.601C>T, p.Arg201Ter (NM_001039891.3); c.583C>T, p.Arg195Ter (NM_001146291.2); short protein forms R201*, R195*, R196*.
Identifiers: ClinVar variation 130846 (VCV000130846.57), dbSNP rs182004761, ClinGen allele CA231684.

ClinVar aggregate classification (germline): Conflicting classifications of pathogenicity. Review status: criteria provided, conflicting classifications (1 of 4 stars). 9 submissions from 9 submitters: Uncertain significance (2); Benign (1); Likely benign (2). 4 of the submissions do not count toward it. Last evaluated 2024-11-25.

Conditions:
ZNF674-related disorder. Also called: ZNF674-related condition.

Allele frequency attached by ClinVar (database versions not stated): 1000 Genomes Project 0.00159; 1000 Genomes Project 30x 0.00166; TOPMed 0.00361; gnomAD 0.00376 and 0.00378; gnomAD exomes 0.00380 and 0.00658; ESP Exome Variant Server 0.00462; ExAC 0.00585.
gnomAD v4.1: 7,468 of 1,192,467 alleles (0.63%); highest among the groups gnomAD compares: Non-Finnish European, 0.76%; 16 homozygotes.

Submissions (9):

Blueprint Genetics
Classification: Likely benign. Last evaluated: 2024-11-25. Review status: criteria provided, single submitter. Criteria: ACMG Guidelines, 2015. Collection method: clinical testing. Allele origin: germline.

CeGaT Center for Human Genetics Tuebingen
Classification: Uncertain significance. Last evaluated: 2016-05-01. Review status: criteria provided, single submitter. Criteria: CeGaT Center For Human Genetics Tuebingen Variant Classification Criteria Version 2. Collection method: clinical testing. Allele origin: germline. Affected: yes. Observed: 1 variant allele.

Laboratory for Molecular Medicine, Mass General Brigham Personalized Medicine
Classification: Likely benign. Last evaluated: 2016-03-28. Review status: criteria provided, single submitter. Criteria: LMM Criteria. Collection method: clinical testing. Allele origin: germline.
Comment: Variant identified in a genome or exome case(s) and assessed due to predicted null impact of the variant or pathogenic assertions in the literature or databases. Disclaimer: This variant has not undergone full assessment. The following are preliminary notes: frequency 0.98% in European population (ExAC) with 55 hemizygotes

Genomic Diagnostic Laboratory, Division of Genomic Diagnostics, Children's Hospital of Philadelphia
Classification: Benign. Last evaluated: 2015-11-06. Review status: criteria provided, single submitter. Criteria: DGD Variant Analysis Guidelines. Collection method: clinical testing. Allele origin: unknown.

Genetic Services Laboratory, University of Chicago
Classification: Uncertain significance. Last evaluated: 2014-01-24. Review status: criteria provided, single submitter. Criteria: ACMG Guidelines, 2007. Collection method: clinical testing. Allele origin: germline. Inheritance: X-linked inheritance.

PreventionGenetics, part of Exact Sciences
Classification: Likely benign for ZNF674-related condition. Last evaluated: 2019-10-21. Review status: no assertion criteria provided. Collection method: clinical testing. Allele origin: germline. Not counted in ClinVar's aggregate classification.
Comment: This variant is classified as likely benign based on ACMG/AMP sequence variant interpretation guidelines (Richards et al. 2015 PMID: 25741868, with internal and published modifications).

Clinical Genetics DNA and cytogenetics Diagnostics Lab, Erasmus MC, Erasmus Medical Center
Classification: Likely benign. Review status: no assertion criteria provided. Collection method: clinical testing. Allele origin: germline. Affected: yes. Study: VKGL Data-share Consensus. Not counted in ClinVar's aggregate classification.

Diagnostic Laboratory, Department of Genetics, University Medical Center Groningen
Classification: Likely benign. Review status: no assertion criteria provided. Collection method: clinical testing. Allele origin: germline. Affected: yes. Study: VKGL Data-share Consensus. Not counted in ClinVar's aggregate classification.

Laboratory of Diagnostic Genome Analysis, Leiden University Medical Center (LUMC)
Classification: Likely benign. Review status: no assertion criteria provided. Collection method: clinical testing. Allele origin: germline. Affected: yes. Study: VKGL Data-share Consensus. Not counted in ClinVar's aggregate classification.